The following is an entry in ClinVar:

NM_022765.4(MICAL1):c.1908T>A (p.Ser636Arg)

Gene: MICAL1 (microtubule associated monooxygenase, calponin and LIM domain containing 1; minus strand). Cytogenetic location: 6q21.
Variant type: single nucleotide variant.
Coding change: c.1908T>A on transcript NM_022765.4 (MANE Select); coding-DNA position 1908, T replaced by A.
Protein change: p.Ser636Arg; replaces serine 636 with arginine.
Molecular consequence: missense variant.
Genome position (GRCh38, 1-based): chr6:109,447,911, A>T on the plus strand (T>A on the coding strand, the complement: MICAL1 is on the minus strand). VCF-style: chr6-109447911-A-T. GRCh37 (hg19) VCF-style: chr6-109769114-A-T.
Other names: c.1650T>A, p.Ser550Arg (NM_001159291.2); c.1965T>A, p.Ser655Arg (NM_001286613.2); short protein forms S550R, S655R, S636R.
Identifiers: ClinVar variation 2982871 (VCV002982871.3), dbSNP rs1184717762, ClinGen allele CA365226557.

ClinVar aggregate classification (germline): Uncertain significance (1 of 4 stars; one submission).

Allele frequency attached by ClinVar (database versions not stated): gnomAD 0.00001; gnomAD exomes 0.00001; TOPMed 0.00001.

Submission:

Labcorp Genetics (formerly Invitae), Labcorp
Classification: Uncertain significance. Last evaluated: 2023-02-14. Review status: criteria provided, single submitter. Criteria: Invitae Variant Classification Sherloc (09022015). Collection method: clinical testing. Allele origin: germline.
Comment: In summary, the available evidence is currently insufficient to determine the role of this variant in disease. Therefore, it has been classified as a Variant of Uncertain Significance. Algorithms developed to predict the effect of missense changes on protein structure and function are either unavailable or do not agree on the potential impact of this missense change (SIFT: "Deleterious"; PolyPhen-2: "Possibly Damaging"; Align-GVGD: "Class C0"). This variant has not been reported in the literature in individuals affected with MICAL1-related conditions. This variant is not present in population databases (gnomAD no frequency). This sequence change replaces serine, which is neutral and polar, with arginine, which is basic and polar, at codon 655 of the MICAL1 protein (p.Ser655Arg).